The following is an entry in ClinVar:

ClinVar aggregate classification (germline): Uncertain significance. Review status: criteria provided, multiple submitters, no conflicts (2 of 4 stars). 3 submissions from 2 submitters: Uncertain significance (3). Last evaluated 2022-07-11.

Conditions:
Bifunctional peroxisomal enzyme deficiency (DBIF). Also called: DBP DEFICIENCY; PBFE DEFICIENCY; D-bifunctional protein deficiency. Identifiers: Orphanet 300, MedGen C0342870, MONDO:0009855, OMIM 261515. Disease mechanism: loss of function.
Perrault syndrome. Also called: Gonadal dysgenesis with auditory dysfunction, autosomal recessive inheritance. Identifiers: Orphanet 2855, MedGen C0685838, MONDO:0017312.
Perrault syndrome 1 (PRLTS1). Also called: GONADAL DYSGENESIS, XX TYPE, WITH DEAFNESS; OVARIAN DYSGENESIS WITH SENSORINEURAL DEAFNESS. Identifiers: Orphanet 2855, Orphanet 642945, MedGen C4551721, MONDO:0009300, OMIM 233400.

Allele frequency attached by ClinVar (database versions not stated): gnomAD exomes below 0.00001; ExAC 0.00002; gnomAD 0.00002 and 0.00005; TOPMed 0.00002; 1000 Genomes Project 30x 0.00031; 1000 Genomes Project 0.00040.

Submissions (3):

Labcorp Genetics (formerly Invitae), Labcorp
Classification: Uncertain significance for Perrault syndrome; Bifunctional peroxisomal enzyme deficiency. Last evaluated: 2022-07-11. Review status: criteria provided, single submitter. Criteria: Invitae Variant Classification Sherloc (09022015). Collection method: clinical testing. Allele origin: germline.
Comment: This sequence change replaces phenylalanine, which is neutral and non-polar, with leucine, which is neutral and non-polar, at codon 90 of the HSD17B4 protein (p.Phe90Leu). This variant is present in population databases (rs28943588, gnomAD 0.006%). This variant has not been reported in the literature in individuals affected with HSD17B4-related conditions. ClinVar contains an entry for this variant (Variation ID: 350461). Advanced modeling of protein sequence and biophysical properties (such as structural, functional, and spatial information, amino acid conservation, physicochemical variation, residue mobility, and thermodynamic stability) performed at Invitae indicates that this missense variant is expected to disrupt HSD17B4 protein function. In summary, the available evidence is currently insufficient to determine the role of this variant in disease. Therefore, it has been classified as a Variant of Uncertain Significance.

Illumina Laboratory Services, Illumina
Classification: Uncertain significance for Bifunctional peroxisomal enzyme deficiency. Last evaluated: 2018-01-12. Review status: criteria provided, single submitter. Criteria: ICSL Variant Classification Criteria 13 December 2019. Collection method: clinical testing. Allele origin: germline.

Illumina Laboratory Services, Illumina
Classification: Uncertain significance for Perrault syndrome 1. Last evaluated: 2018-01-12. Review status: criteria provided, single submitter. Criteria: ICSL Variant Classification Criteria 13 December 2019. Collection method: clinical testing. Allele origin: germline.

NM_000414.4(HSD17B4):c.268T>C (p.Phe90Leu)

Gene: HSD17B4 (hydroxysteroid 17-beta dehydrogenase 4; plus strand). Cytogenetic location: 5q23.1.
Variant type: single nucleotide variant.
Coding change: c.268T>C on transcript NM_000414.4 (MANE Select); coding-DNA position 268, T replaced by C.
Protein change: p.Phe90Leu; replaces phenylalanine 90 with leucine.
Molecular consequence: missense variant. On other transcripts: 5 prime UTR variant (1).
Genome position (GRCh38, 1-based): chr5:119,474,448, T>C. VCF-style: chr5-119474448-T-C. GRCh37 (hg19) VCF-style: chr5-118810143-T-C.
Other names: c.343T>C, p.Phe115Leu (NM_001199291.3); c.214T>C, p.Phe72Leu (NM_001199292.2); c.196T>C, p.Phe66Leu (NM_001292027.2); c.-144T>C (NM_001292028.2); short protein forms F90L, F66L, F72L, F115L.
Identifiers: ClinVar variation 350461 (VCV000350461.6), dbSNP rs28943588, ClinGen allele CA3381737.
Genomic context (GRCh38, chr5:119,474,448, plus strand): 5'-TCCTTTCCCTCAGATTCAGTGGAAGAAGGAGAGAAGGTTGTGAAGACAGCCCTGGATGCT[T>C]TTGGAAGAATAGGTGATGTTTCTTTGTGTTATGGCTCTTGTGGAGCAACTTCTACCTTCC-3'
Protein context (NP_000405.1, residues 80-100): EKVVKTALDA[Phe90Leu]GRIDVVVNNA